The following is an entry in ClinVar:

NM_001367624.2(ZNF469):c.6863T>C (p.Leu2288Pro)

Gene: ZNF469 (zinc finger protein 469; plus strand). Cytogenetic location: 16q24.2.
Variant type: single nucleotide variant.
Coding change: c.6863T>C on transcript NM_001367624.2 (MANE Select); coding-DNA position 6863, T replaced by C.
Protein change: p.Leu2288Pro; replaces leucine 2288 with proline.
Molecular consequence: missense variant.
Genome position (GRCh38, 1-based): chr16:88,434,333, T>C. VCF-style: chr16-88434333-T-C. GRCh37 (hg19) VCF-style: chr16-88500741-T-C.
Other names: NM_001127464.1:c.6779T>C; short protein forms L2288P.
Identifiers: ClinVar variation 1946453 (VCV001946453.4), dbSNP rs1375561470, ClinGen allele CA397107416.

ClinVar aggregate classification (germline): Uncertain significance. Review status: criteria provided, multiple submitters, no conflicts (2 of 4 stars). 2 submissions from 2 submitters: Uncertain significance (2). Last evaluated 2023-04-01.

Conditions:
Cardiovascular phenotype. Identifiers: MedGen CN230736.

Allele frequency attached by ClinVar (database versions not stated): gnomAD 0.00001; gnomAD exomes 0.00001; TOPMed 0.00001.
gnomAD v4.1: 11 of 1,550,100 alleles (0.00071%); highest among the groups gnomAD compares: Non-Finnish European, 0.00096%; no homozygotes.

Submissions (2):

Ambry Genetics
Classification: Uncertain significance for Cardiovascular phenotype. Last evaluated: 2023-04-01. Review status: criteria provided, single submitter. Criteria: Ambry Variant Classification Scheme 2023. Collection method: clinical testing. Allele origin: germline.
Comment: The p.L2260P variant (also known as c.6779T>C), located in coding exon 2 of the ZNF469 gene, results from a T to C substitution at nucleotide position 6779. The leucine at codon 2260 is replaced by proline, an amino acid with similar properties. This amino acid position is conserved. In addition, this alteration is predicted to be tolerated by in silico analysis. Since supporting evidence is limited at this time, the clinical significance of this alteration remains unclear.

Labcorp Genetics (formerly Invitae), Labcorp
Classification: Uncertain significance. Last evaluated: 2022-06-05. Review status: criteria provided, single submitter. Criteria: Invitae Variant Classification Sherloc (09022015). Collection method: clinical testing. Allele origin: germline.
Comment: This sequence change replaces leucine, which is neutral and non-polar, with proline, which is neutral and non-polar, at codon 2260 of the ZNF469 protein (p.Leu2260Pro). This variant is not present in population databases (gnomAD no frequency). This variant has not been reported in the literature in individuals affected with ZNF469-related conditions. Algorithms developed to predict the effect of missense changes on protein structure and function output the following: SIFT: "Tolerated"; PolyPhen-2: "Benign"; Align-GVGD: "Class C0". The proline amino acid residue is found in multiple mammalian species, which suggests that this missense change does not adversely affect protein function. In summary, the available evidence is currently insufficient to determine the role of this variant in disease. Therefore, it has been classified as a Variant of Uncertain Significance.